The following is an entry in ClinVar:

ClinVar aggregate classification (germline): Uncertain significance (1 of 4 stars; one submission).

Submission:

Labcorp Genetics (formerly Invitae), Labcorp
Classification: Uncertain significance. Last evaluated: 2024-03-15. Review status: criteria provided, single submitter. Criteria: Invitae Variant Classification Sherloc (09022015). Collection method: clinical testing. Allele origin: germline.
Comment: This sequence change replaces alanine, which is neutral and non-polar, with serine, which is neutral and polar, at codon 268 of the TCF20 protein (p.Ala268Ser). This variant is not present in population databases (gnomAD no frequency). This variant has not been reported in the literature in individuals affected with TCF20-related conditions. An algorithm developed to predict the effect of missense changes on protein structure and function (PolyPhen-2) suggests that this variant is likely to be tolerated. In summary, the available evidence is currently insufficient to determine the role of this variant in disease. Therefore, it has been classified as a Variant of Uncertain Significance.

NM_001378418.1(TCF20):c.802G>T (p.Ala268Ser)

Gene: TCF20 (transcription factor 20; minus strand). Cytogenetic location: 22q13.2.
Variant type: single nucleotide variant.
Coding change: c.802G>T on transcript NM_001378418.1 (MANE Select); coding-DNA position 802, G replaced by T.
Protein change: p.Ala268Ser; replaces alanine 268 with serine.
Molecular consequence: missense variant.
Genome position (GRCh38, 1-based): chr22:42,214,504, C>A on the plus strand (G>T on the coding strand, the complement: TCF20 is on the minus strand). VCF-style: chr22-42214504-C-A. GRCh37 (hg19) VCF-style: chr22-42610510-C-A.
Other names: c.802G>T, p.Ala268Ser (NM_005650.4, NM_181492.3); short protein forms A268S.
Identifiers: ClinVar variation 3646023 (VCV003646023.2).